The following is an entry in ClinVar:

ClinVar aggregate classification (germline): Pathogenic/Likely pathogenic. Review status: criteria provided, multiple submitters, no conflicts (2 of 4 stars). 2 submissions from 2 submitters: Pathogenic (1); Likely pathogenic (1). Last evaluated 2026-04-27.

Conditions:
RNF213-related disorder. Also called: RNF213-related condition.

Submissions (2):

PreventionGenetics, part of Exact Sciences
Classification: Likely pathogenic for RNF213-related condition. Last evaluated: 2026-04-27. Review status: criteria provided, single submitter. Criteria: ACMG Guidelines, 2015. Collection method: clinical testing. Allele origin: germline.
Comment: The RNF213 c.12034T>C variant is predicted to result in the amino acid substitution p.Cys4012Arg. This variant was reported to be de novo in an individual with early-onset stroke (Brunet et al. 2024. PubMed ID: 37924258). This variant affects a cysteine residue within the RNF213 RING finger domain involved in zinc binding (Brunet et al. 2024. PubMed ID: 37924258). This variant has not been reported in a large population database (gnomAD), indicating this variant is rare. This variant is interpreted as likely pathogenic.

GeneDx
Classification: Pathogenic. Last evaluated: 2024-08-05. Review status: criteria provided, single submitter. Criteria: GeneDx Variant Classification Process June 2021. Collection method: clinical testing. Allele origin: germline. Affected: yes.
Comment: Not observed at significant frequency in large population cohorts (gnomAD); In silico analysis supports that this missense variant has a deleterious effect on protein structure/function; This variant is associated with the following publications: (PMID: 37924258)

NM_001256071.3(RNF213):c.12034T>C (p.Cys4012Arg)

Genes: RNF213 (ring finger protein 213; plus strand), RNF213-AS1 (RNF213 antisense RNA 1; minus strand). Cytogenetic location: 17q25.3.
Variant type: single nucleotide variant.
Coding change: c.12034T>C on transcript NM_001256071.3 (MANE Select); coding-DNA position 12034, T replaced by C.
Protein change: p.Cys4012Arg; replaces cysteine 4012 with arginine.
Molecular consequence: missense variant.
Genome position (GRCh38, 1-based): chr17:80,368,022, T>C. VCF-style: chr17-80368022-T-C. GRCh37 (hg19) VCF-style: chr17-78341822-T-C.
Other names: c.12181T>C, p.Cys4061Arg (NM_001410195.1, NM_020914.5); c.12034T>C (NM_001256071.2); short protein forms C4012R, C4061R.
Identifiers: ClinVar variation 3602934 (VCV003602934.2).